The following is an entry in ClinVar:

NM_000248.4(MITF):c.30T>G (p.Tyr10Ter)

Gene: MITF (melanocyte inducing transcription factor; plus strand). Cytogenetic location: 3p13.
Variant type: single nucleotide variant.
Coding change: c.30T>G on transcript NM_000248.4 (MANE Plus Clinical); coding-DNA position 30, T replaced by G.
Protein change: p.Tyr10Ter; replaces tyrosine 10 with a stop codon.
Molecular consequence: nonsense. On other transcripts: intron variant (9).
Genome position (GRCh38, 1-based): chr3:69,936,752, T>G. VCF-style: chr3-69936752-T-G. GRCh37 (hg19) VCF-style: chr3-69985903-T-G.
Other names: c.352-1070T>G (NM_001354606.2, NM_006722.3, NM_001354605.2); c.199-1070T>G (NM_001184967.2, NM_001354608.2); c.307-1070T>G (NM_198177.3); c.30T>G, p.Tyr10Ter (NM_001184968.2, NM_198158.3, NM_198178.3); c.304-1070T>G (NM_001354607.2); c.355-1070T>G (NM_001354604.2, NM_198159.3); short protein forms Y10*.
Identifiers: ClinVar variation 3338391 (VCV003338391.1).

ClinVar aggregate classification (germline): Likely pathogenic (1 of 4 stars; one submission).

Conditions:
Waardenburg syndrome type 2A (WS2A). Also called: WAARDENBURG SYNDROME WITHOUT DYSTOPIA CANTHORUM. Identifiers: Orphanet 3440, MedGen C1860339, MONDO:0008671, OMIM 193510.

Submission:

MVZ Medizinische Genetik Mainz
Classification: Likely pathogenic for Waardenburg syndrome type 2A. Last evaluated: 2024-07-25. Review status: criteria provided, single submitter. Criteria: UK Practice Guidelines For Variant Classification V4 01 2020. Collection method: clinical testing. Allele origin: germline. Inheritance: Autosomal dominant inheritance. Affected: yes. Observed: 1 variant allele.
Comment: ACMG Criteria: PVS1,PM2_SUP